The following is an entry in ClinVar:

ClinVar aggregate classification (germline): Uncertain significance (1 of 4 stars; one submission).

Submission:

CeGaT Center for Human Genetics Tuebingen
Classification: Uncertain significance. Last evaluated: 2024-05-01. Review status: criteria provided, single submitter. Criteria: CeGaT Center For Human Genetics Tuebingen Variant Classification Criteria Version 2. Collection method: clinical testing. Allele origin: germline. Affected: yes. Observed: 1 variant allele.
Comment: CLPB: PM2:Supporting, BP4

NM_001258392.3(CLPB):c.33A>G (p.Ala11=)

Genes: CLPB (ClpB family mitochondrial disaggregase; minus strand), LOC130006336 (ATAC-STARR-seq lymphoblastoid active region 5191; plus strand). Cytogenetic location: 11q13.4.
Variant type: single nucleotide variant.
Coding change: c.33A>G on transcript NM_001258392.3 (MANE Select); coding-DNA position 33, A replaced by G.
Protein change: p.Ala11=; no amino-acid change (alanine 11 retained).
Molecular consequence: synonymous variant. On other transcripts: 5 prime UTR variant (1).
Genome position (GRCh38, 1-based): chr11:72,434,442, T>C on the plus strand (A>G on the coding strand, the complement: CLPB is on the minus strand). VCF-style: chr11-72434442-T-C. GRCh37 (hg19) VCF-style: chr11-72145486-T-C.
Other names: c.33A>G, p.Ala11= (NM_001258393.3, NM_030813.6); c.-210A>G (NM_001258394.3).
Identifiers: ClinVar variation 3239231 (VCV003239231.19), dbSNP rs1486988845.